The following is an entry in ClinVar:

ClinVar aggregate classification (germline): Likely benign (1 of 4 stars; one submission).

Conditions:
PBX1-related disorder. Also called: PBX1-related condition.

Submission:

PreventionGenetics, part of Exact Sciences
Classification: Likely benign for PBX1-related condition. Last evaluated: 2024-11-03. Review status: criteria provided, single submitter. Criteria: ACMG Guidelines, 2015. Collection method: clinical testing. Allele origin: germline.
Comment: This variant is classified as likely benign based on ACMG/AMP sequence variant interpretation guidelines (Richards et al. 2015 PMID: 25741868, with internal and published modifications).

NM_002585.4(PBX1):c.214A>C (p.Arg72=)

Gene: PBX1 (PBX homeobox 1; plus strand). Cytogenetic location: 1q23.3.
Variant type: single nucleotide variant.
Coding change: c.214A>C on transcript NM_002585.4 (MANE Select); coding-DNA position 214, A replaced by C.
Protein change: p.Arg72=; no amino-acid change (arginine 72 retained).
Molecular consequence: synonymous variant. On other transcripts: intron variant (1).
Genome position (GRCh38, 1-based): chr1:164,563,260, A>C. VCF-style: chr1-164563260-A-C. GRCh37 (hg19) VCF-style: chr1-164532497-A-C.
Other names: c.214A>C, p.Arg72= (NM_001204961.2, NM_001204963.2, NM_001353131.2); c.16+3247A>C (NM_001353130.1).
Identifiers: ClinVar variation 5001077 (VCV005001077.1).